The following is an entry in ClinVar:

NM_001710.6(CFB):c.1199C>T (p.Thr400Ile)

Gene: CFB (complement factor B; plus strand). Cytogenetic location: 6p21.33.
Variant type: single nucleotide variant.
Coding change: c.1199C>T on transcript NM_001710.6 (MANE Select); coding-DNA position 1199, C replaced by T.
Protein change: p.Thr400Ile; replaces threonine 400 with isoleucine.
Molecular consequence: missense variant.
Genome position (GRCh38, 1-based): chr6:31,949,273, C>T. VCF-style: chr6-31949273-C-T. GRCh37 (hg19) VCF-style: chr6-31917050-C-T.
Other names: short protein forms T400I.
Identifiers: ClinVar variation 4743276 (VCV004743276.1).

ClinVar aggregate classification (germline): Uncertain significance (1 of 4 stars; one submission).

Submission:

Labcorp Genetics (formerly Invitae), Labcorp
Classification: Uncertain significance. Last evaluated: 2025-10-13. Review status: criteria provided, single submitter. Criteria: Invitae Variant Classification Sherloc (09022015). Collection method: clinical testing. Allele origin: germline.
Comment: This sequence change replaces threonine, which is neutral and polar, with isoleucine, which is neutral and non-polar, at codon 400 of the CFB protein (p.Thr400Ile). This variant is not present in population databases (gnomAD no frequency). This variant has not been reported in the literature in individuals affected with CFB-related conditions. Invitae Evidence Modeling of protein sequence and biophysical properties (such as structural, functional, and spatial information, amino acid conservation, physicochemical variation, residue mobility, and thermodynamic stability) indicates that this missense variant is not expected to disrupt CFB protein function with a negative predictive value of 80%. In summary, the available evidence is currently insufficient to determine the role of this variant in disease. Therefore, it has been classified as a Variant of Uncertain Significance.